The following is an entry in ClinVar:

ClinVar aggregate classification (germline): Uncertain significance (1 of 4 stars; one submission).

Submission:

GeneDx
Classification: Uncertain significance. Last evaluated: 2021-04-07. Review status: criteria provided, single submitter. Criteria: GeneDx Variant Classification Process June 2021. Collection method: clinical testing. Allele origin: germline. Affected: yes.
Comment: Not observed in large population cohorts (Lek et al., 2016); In silico analysis supports that this missense variant does not alter protein structure/function; Has not been previously published as pathogenic or benign to our knowledge

NM_014225.6(PPP2R1A):c.1400A>G (p.Lys467Arg)

Gene: PPP2R1A (protein phosphatase 2 scaffold subunit Aalpha; plus strand). Cytogenetic location: 19q13.41.
Variant type: single nucleotide variant.
Coding change: c.1400A>G on transcript NM_014225.6 (MANE Select); coding-DNA position 1400, A replaced by G.
Protein change: p.Lys467Arg; replaces lysine 467 with arginine.
Molecular consequence: missense variant. On other transcripts: non-coding transcript variant (1).
Genome position (GRCh38, 1-based): chr19:52,221,015, A>G. VCF-style: chr19-52221015-A-G. GRCh37 (hg19) VCF-style: chr19-52724268-A-G.
Other names: c.863A>G, p.Lys288Arg (NM_001363656.2); short protein forms K288R, K467R.
Identifiers: ClinVar variation 1181600 (VCV001181600.2), dbSNP rs2122364716, ClinGen allele CA407190085.
Genomic context (GRCh38, chr19:52,221,015, plus strand): 5'-TCTCTCACCCTCACCCTTCTGCAGTATATGCCATCCGCGAGGCAGCCACCAGCAACCTGA[A>G]GAAGCTAGTGGAAAAGTTTGGGAAGGAGTGGGCCCATGCCACAATCATCCCCAAGGTCTT-3'
Protein context (NP_055040.2, residues 457-477): AIREAATSNL[Lys467Arg]KLVEKFGKEW